The following is an entry in ClinVar:

NM_032043.3(BRIP1):c.612del (p.Ser206fs)

Gene: BRIP1 (BRCA1 interacting DNA helicase 1; minus strand). Cytogenetic location: 17q23.2.
Variant type: Deletion.
Coding change: c.612del on transcript NM_032043.3 (MANE Select); coding-DNA position 612, one base deleted (C; older notation c.612delC).
Protein change: p.Ser206fs; shifts the reading frame from serine 206.
Molecular consequence: frameshift variant.
Genome position (GRCh38, 1-based): chr17:61,847,116, G deleted on the plus strand (C on the coding strand, the reverse complement: BRIP1 is on the minus strand); the first of 2 consecutive G bases (chr17:61,847,116-61,847,117); deleting either gives the same sequence. VCF-style (leftmost placement, unchanged base first): chr17-61847115-AG-A. GRCh37 (hg19) VCF-style: chr17-59924476-AG-A.
Other names: short protein forms S206fs.
Identifiers: ClinVar variation 2583412 (VCV002583412.2), dbSNP rs2545405264, ClinGen allele CA2582342223.
Genomic context (GRCh38, chr17:61,847,115, plus strand): 5'-TCCATATCTTCCTTCTTTAAAACTGAACAATGGCATTAATACATACTTTCTGTGGCGAAA[AG>A]GAGTTTATCTTTTCCAGTGGAGAGTTGAGTTTTACAGTCTTTCCTGAATCAACTTTTGCA-3'

ClinVar aggregate classification (germline): Pathogenic (1 of 4 stars; one submission).

Conditions:
Familial cancer of breast. Also called: Hereditary breast cancer; BREAST CANCER, FAMILIAL; hereditary breast carcinoma. Identifiers: Orphanet 227535, MedGen C0346153, MONDO:0016419, OMIM 114480. Disease mechanism: loss of function.

Submission:

Myriad Genetics, Inc.
Classification: Pathogenic for Familial cancer of breast. Last evaluated: 2023-05-31. Review status: criteria provided, single submitter. Criteria: Myriad Autosomal Dominant, Autosomal Recessive and X-Linked Classification Criteria (2023). Collection method: clinical testing. Allele origin: unknown.
Comment: This variant is considered pathogenic. This variant creates a frameshift predicted to result in premature protein truncation.